The following is an entry in ClinVar:

ClinVar aggregate classification (germline): Likely pathogenic (1 of 4 stars; one submission).

Conditions:
Osteogenesis imperfecta (OI). Identifiers: Orphanet 666, MedGen C0029434, MeSH D010013, MONDO:0019019.

Submission:

Women's Health and Genetics/Laboratory Corporation of America, LabCorp
Classification: Likely pathogenic for Osteogenesis Imperfecta. Last evaluated: 2011-08-18. Review status: criteria provided, single submitter. Criteria: LabCorp Variant Classification Summary - May 2015. Collection method: curation, clinical testing. Allele origin: germline. Inheritance: autosomal unknown. Affected: yes.
ClinVar note: Converted during submission from likely pathogenic to Likely pathogenic.

NM_000089.4(COL1A2):c.3284del (p.Pro1095fs)

Gene: COL1A2 (collagen type I alpha 2 chain; plus strand). Cytogenetic location: 7q21.3.
Variant type: Deletion.
Coding change: c.3284del on transcript NM_000089.4 (MANE Select); coding-DNA position 3284, one base deleted (C; older notation c.3284delC).
Protein change: p.Pro1095fs; shifts the reading frame from proline 1095.
Molecular consequence: frameshift variant.
Genome position (GRCh38, 1-based): chr7:94,427,643, C deleted; the last of 5 consecutive C bases (chr7:94,427,639-94,427,643); deleting any one gives the same sequence. VCF-style (leftmost placement, unchanged base first): chr7-94427638-TC-T. GRCh37 (hg19) VCF-style: chr7-94056950-TC-T.
Other names: c.3284delC (NM_000089.3); short protein forms P1095fs.
Identifiers: ClinVar variation 35947 (VCV000035947.3), dbSNP rs193922167, ClinGen allele CA260366.